The following is an entry in ClinVar:

ClinVar aggregate classification (germline): Conflicting classifications of pathogenicity. Review status: criteria provided, conflicting classifications (1 of 4 stars). 3 submissions from 3 submitters: Uncertain significance (2); Likely benign (1). Last evaluated 2024-04-26.

Conditions:
Hereditary cancer-predisposing syndrome. Also called: Hereditary Cancer Syndrome; Neoplastic Syndromes, Hereditary; Tumor predisposition; Hereditary neoplastic syndrome. Identifiers: Orphanet 140162, MedGen C0027672, MeSH D009386, MONDO:0015356.
Familial cancer of breast. Also called: Hereditary breast cancer; BREAST CANCER, FAMILIAL; hereditary breast carcinoma. Identifiers: Orphanet 227535, MedGen C0346153, MONDO:0016419, OMIM 114480. Disease mechanism: loss of function.

Submissions (3):

Ambry Genetics
Classification: Likely benign for Hereditary cancer-predisposing syndrome. Last evaluated: 2024-04-26. Review status: criteria provided, single submitter. Criteria: Ambry Variant Classification Scheme 2023. Collection method: clinical testing. Allele origin: germline.

Color Diagnostics, LLC DBA Color Health
Classification: Uncertain significance for Hereditary cancer-predisposing syndrome. Last evaluated: 2023-12-05. Review status: criteria provided, single submitter. Criteria: ACMG Guidelines, 2015. Collection method: clinical testing. Allele origin: germline.
Comment: This missense variant replaces histidine with tyrosine at codon 834 of the PALB2 protein. Computational prediction suggests that this variant may not impact protein structure and function (internally defined REVEL score threshold <= 0.5, PMID: 27666373). To our knowledge, functional studies have not been reported for this variant. This variant has not been reported in individuals affected with PALB2-related disorders in the literature. This variant has not been identified in the general population by the Genome Aggregation Database (gnomAD). The available evidence is insufficient to determine the role of this variant in disease conclusively. Therefore, this variant is classified as a Variant of Uncertain Significance.

Labcorp Genetics (formerly Invitae), Labcorp
Classification: Uncertain significance for Familial cancer of breast. Last evaluated: 2023-06-02. Review status: criteria provided, single submitter. Criteria: Invitae Variant Classification Sherloc (09022015). Collection method: clinical testing. Allele origin: germline.
Comment: This variant is not present in population databases (gnomAD no frequency). In summary, the available evidence is currently insufficient to determine the role of this variant in disease. Therefore, it has been classified as a Variant of Uncertain Significance. Algorithms developed to predict the effect of missense changes on protein structure and function output the following: SIFT: "Not Available"; PolyPhen-2: "Benign"; Align-GVGD: "Not Available". The tyrosine amino acid residue is found in multiple mammalian species, which suggests that this missense change does not adversely affect protein function. ClinVar contains an entry for this variant (Variation ID: 490077). This variant has not been reported in the literature in individuals affected with PALB2-related conditions. This sequence change replaces histidine, which is basic and polar, with tyrosine, which is neutral and polar, at codon 834 of the PALB2 protein (p.His834Tyr).

NM_024675.4(PALB2):c.2500C>T (p.His834Tyr)

Gene: PALB2 (partner and localizer of BRCA2; minus strand). Cytogenetic location: 16p12.2.
Variant type: single nucleotide variant.
Coding change: c.2500C>T on transcript NM_024675.4 (MANE Select); coding-DNA position 2500, C replaced by T.
Protein change: p.His834Tyr; replaces histidine 834 with tyrosine.
Molecular consequence: missense variant.
Genome position (GRCh38, 1-based): chr16:23,629,654, G>A on the plus strand (C>T on the coding strand, the complement: PALB2 is on the minus strand). VCF-style: chr16-23629654-G-A. GRCh37 (hg19) VCF-style: chr16-23640975-G-A.
Other names: short protein forms H834Y.
Identifiers: ClinVar variation 490077 (VCV000490077.15), dbSNP rs1555460308, ClinGen allele CA395123962.
Genomic context (GRCh38, chr16:23,629,654, plus strand): 5'-CATTTCATTCCTTCAGAGAAAATTTCACAGAGGAAATGGATTGTACCTGTTCGACGGAAT[G>A]TTTATGCAGCTCCTGGCATGTGTTTCTACAGAGCTGATTTTCTTTAAAAGTGAATGACTC-3'
Protein context (NP_078951.2, residues 824-844): CRNTCQELHK[His834Tyr]SVEQTETAEL